The following is an entry in ClinVar:

NC_000009.11:g.(?_396765)_(464219_?)dup

Gene: DOCK8 (dedicator of cytokinesis 8; plus strand). Cytogenetic location: 9p24.3.
Variant type: Duplication.
Identifiers: ClinVar variation 2427717 (VCV002427717.7).

ClinVar aggregate classification (germline): Uncertain significance (1 of 4 stars; one submission).

Conditions:
Combined immunodeficiency due to DOCK8 deficiency (HIES2). Also called: HIES autosomal recessive; Hyper-IgE recurrent infection syndrome, autosomal recessive; DOCK8 Deficiency; HYPER-IgE RECURRENT INFECTION SYNDROME 2, AUTOSOMAL RECESSIVE; HYPER-IgE SYNDROME 2, AUTOSOMAL RECESSIVE, WITH RECURRENT INFECTIONS. Identifiers: Orphanet 217390, MedGen C4722305, MONDO:0009478, OMIM 243700.

Submission:

Labcorp Genetics (formerly Invitae), Labcorp
Classification: Uncertain significance for Combined immunodeficiency due to DOCK8 deficiency. Last evaluated: 2021-11-09. Review status: criteria provided, single submitter. Criteria: Invitae Variant Classification Sherloc (09022015). Collection method: clinical testing. Allele origin: germline.
Comment: This variant results in a copy number gain of the genomic region encompassing exon(s) 25-48 of the DOCK8 gene. This region includes the termination codon of the gene. This copy number gain extends beyond the assayed region for this gene and therefore may encompass additional genes. As the precise location of this event is unknown, it may be in tandem or it may be located elsewhere in the genome. This variant has not been reported in the literature in individuals affected with DOCK8-related conditions. Experimental studies and prediction algorithms are not available or were not evaluated, and the functional significance of this variant is currently unknown. In summary, the available evidence is currently insufficient to determine the role of this variant in disease. Therefore, it has been classified as a Variant of Uncertain Significance.